The following is an entry in ClinVar:

ClinVar aggregate classification (germline): Uncertain significance. Review status: criteria provided, multiple submitters, no conflicts (2 of 4 stars). 2 submissions from 2 submitters: Uncertain significance (2). Last evaluated 2026-09-09.

Conditions:
Inborn genetic diseases. Identifiers: MedGen C0950123, MeSH D030342.

Allele frequency attached by ClinVar (database versions not stated): gnomAD exomes below 0.00001.
gnomAD v4.1: 5 of 1,613,788 alleles (0.00031%); highest among the groups gnomAD compares: Non-Finnish European, 0.00042%; no homozygotes.

Submissions (2):

Ambry Genetics
Classification: Uncertain significance for Inborn genetic diseases. Last evaluated: 2026-09-09. Review status: criteria provided, single submitter. Criteria: Ambry Variant Classification Scheme 2023. Collection method: clinical testing. Allele origin: germline.
Comment: The p.Q368K variant (also known as c.1102C>A), located in coding exon 1 of the SAMD9L gene, results from a C to A substitution at nucleotide position 1102. The glutamine at codon 368 is replaced by lysine, an amino acid with similar properties. This amino acid position is conserved. In addition, this alteration is predicted to be tolerated by in silico analysis. Based on the available evidence, the clinical significance of this variant remains unclear.

Labcorp Genetics (formerly Invitae), Labcorp
Classification: Uncertain significance. Last evaluated: 2022-11-23. Review status: criteria provided, single submitter. Criteria: Invitae Variant Classification Sherloc (09022015). Collection method: clinical testing. Allele origin: germline.
Comment: In summary, the available evidence is currently insufficient to determine the role of this variant in disease. Therefore, it has been classified as a Variant of Uncertain Significance. Advanced modeling of protein sequence and biophysical properties (such as structural, functional, and spatial information, amino acid conservation, physicochemical variation, residue mobility, and thermodynamic stability) performed at Invitae indicates that this missense variant is not expected to disrupt SAMD9L protein function. This variant has not been reported in the literature in individuals affected with SAMD9L-related conditions. This variant is not present in population databases (gnomAD no frequency). This sequence change replaces glutamine, which is neutral and polar, with lysine, which is basic and polar, at codon 368 of the SAMD9L protein (p.Gln368Lys).

NM_152703.5(SAMD9L):c.1102C>A (p.Gln368Lys)

Gene: SAMD9L (sterile alpha motif domain containing 9 like; minus strand). Cytogenetic location: 7q21.2.
Variant type: single nucleotide variant.
Coding change: c.1102C>A on transcript NM_152703.5 (MANE Select); coding-DNA position 1102, C replaced by A.
Protein change: p.Gln368Lys; replaces glutamine 368 with lysine.
Molecular consequence: missense variant.
Genome position (GRCh38, 1-based): chr7:93,134,870, G>T on the plus strand (C>A on the coding strand, the complement: SAMD9L is on the minus strand). VCF-style: chr7-93134870-G-T. GRCh37 (hg19) VCF-style: chr7-92764183-G-T.
Other names: c.1102C>A, p.Gln368Lys (NM_001303496.3, NM_001303497.3, NM_001303498.3 and 5 more transcripts); c.1102C>A (NM_152703.2); short protein forms Q368K.
Identifiers: ClinVar variation 2815635 (VCV002815635.4), dbSNP rs2535431353, ClinGen allele CA368198782.
Genomic context (GRCh38, chr7:93,134,870, plus strand): 5'-CCTTCATTCCATACTCTTCTTCAGCCTCTTTTCTAGATGCTACCAGTGACTTTAAATTTT[G>T]TAAAAATGCCTTGAAATCTACATCCCGTTGCTTGGAATTGGCCAGGATATCCCTAGAGCT-3'
Protein context (NP_689916.2, residues 358-378): QRDVDFKAFL[Gln368Lys]NLKSLVASRK